The following is an entry in ClinVar:

NM_201525.4(ADGRG1):c.112C>G (p.Arg38Gly)

Gene: ADGRG1 (adhesion G protein-coupled receptor G1; plus strand). Cytogenetic location: 16q21.
Variant type: single nucleotide variant.
Coding change: c.112C>G on transcript NM_201525.4 (MANE Select); coding-DNA position 112, C replaced by G.
Protein change: p.Arg38Gly; replaces arginine 38 with glycine.
Molecular consequence: missense variant. On other transcripts: 5 prime UTR variant (5), splice donor variant (1), intron variant (1).
Genome position (GRCh38, 1-based): chr16:57,651,247, C>G. VCF-style: chr16-57651247-C-G. GRCh37 (hg19) VCF-style: chr16-57685159-C-G.
Other names: c.112C>G, p.Arg38Gly (NM_001145770.3, NM_001145771.3, NM_001145772.3 and 16 more transcripts); c.127C>G, p.Arg43Gly (NM_001145773.3, NM_001370433.1); c.-414C>G (NM_001290143.2, NM_001290144.2, NM_001370451.1 and 2 more transcripts); c.110+2C>G (NM_001290142.2); c.65-109C>G (NM_001370442.1); short protein forms R38G, R43G.
Identifiers: ClinVar variation 2859373 (VCV002859373.3), dbSNP rs121908462, ClinGen allele CA396041380.

ClinVar aggregate classification (germline): Uncertain significance (1 of 4 stars; one submission).

Submission:

Labcorp Genetics (formerly Invitae), Labcorp
Classification: Uncertain significance. Last evaluated: 2023-04-26. Review status: criteria provided, single submitter. Criteria: Invitae Variant Classification Sherloc (09022015). Collection method: clinical testing. Allele origin: germline.
Comment: This sequence change replaces arginine, which is basic and polar, with glycine, which is neutral and non-polar, at codon 38 of the ADGRG1 protein (p.Arg38Gly). In summary, the available evidence is currently insufficient to determine the role of this variant in disease. Therefore, it has been classified as a Variant of Uncertain Significance. This variant disrupts the p.Arg38 amino acid residue in ADGRG1. Other variant(s) that disrupt this residue have been determined to be pathogenic (PMID: 15044805, 16240336, 23981349, 25922261). This suggests that this residue is clinically significant, and that variants that disrupt this residue are likely to be disease-causing. Advanced modeling of protein sequence and biophysical properties (such as structural, functional, and spatial information, amino acid conservation, physicochemical variation, residue mobility, and thermodynamic stability) has been performed at Invitae for this missense variant, however the output from this modeling did not meet the statistical confidence thresholds required to predict the impact of this variant on ADGRG1 protein function. This variant has not been reported in the literature in individuals affected with ADGRG1-related conditions. This variant is not present in population databases (gnomAD no frequency).

Literature cited by the submitters: PubMed 15044805; PubMed 16240336; PubMed 23981349; PubMed 25922261.